The following is an entry in ClinVar:

NM_001378120.1(MBD5):c.710_725del (p.Ile237fs)

Gene: MBD5 (methyl-CpG binding domain protein 5; plus strand). Cytogenetic location: 2q23.1.
Variant type: Deletion.
Coding change: c.710_725del on transcript NM_001378120.1 (MANE Select); coding-DNA positions 710 to 725, 16 bases deleted (TCTCTCCAAGGACTGA).
Protein change: p.Ile237fs; shifts the reading frame from isoleucine 237.
Molecular consequence: frameshift variant.
Genome position (GRCh38, 1-based): chr2:148,468,653-148,468,668, TCTCTCCAAGGACTGA deleted; deleting any 16 consecutive bases within chr2:148,468,652-148,468,668 gives the same sequence; the c. name uses the placement nearest the transcript's 3' end. VCF-style (leftmost placement, unchanged base first): chr2-148468651-AATCTCTCCAAGGACTG-A. GRCh37 (hg19) VCF-style: chr2-149226220-AATCTCTCCAAGGACTG-A.
Other names: c.710_725del, p.Ile237fs (NM_018328.5); short protein forms I237fs.
Identifiers: ClinVar variation 1457775 (VCV001457775.6), dbSNP rs2105625178, ClinGen allele CA2573133299.
Genomic context (GRCh38, chr2:148,468,651, plus strand): 5'-CAGCCATGGAGGCCTGCCCAGCCCAGCGTCATCAGGTTCCCAGATATATGGAGATGGTTC[AATCTCTCCAAGGACTG>A]ACCCACTTGGAAGTCCTGATGTTTTCACAAGAAGTAATCCTGGTTTTCATGGAGCTCCCA-3'

ClinVar aggregate classification (germline): Pathogenic (1 of 4 stars; one submission).

Conditions:
Intellectual developmental disorder, autosomal dominant 1. Also called: Intellectual disability, autosomal dominant 1; MBD5 Haploinsufficiency. Identifiers: Orphanet 228402, MedGen C1969562, MONDO:0007974, OMIM 156200.

Submission:

Labcorp Genetics (formerly Invitae), Labcorp
Classification: Pathogenic for Intellectual developmental disorder, autosomal dominant 1. Last evaluated: 2022-07-19. Review status: criteria provided, single submitter. Criteria: Invitae Variant Classification Sherloc (09022015). Collection method: clinical testing. Allele origin: germline.
Comment: This sequence change creates a premature translational stop signal (p.Ile237Thrfs*27) in the MBD5 gene. It is expected to result in an absent or disrupted protein product. Loss-of-function variants in MBD5 are known to be pathogenic (PMID: 23422940, 23587880). This variant is not present in population databases (gnomAD no frequency). This variant has not been reported in the literature in individuals affected with MBD5-related conditions. ClinVar contains an entry for this variant (Variation ID: 1457775). For these reasons, this variant has been classified as Pathogenic.

Literature cited by the submitters: PubMed 23422940; PubMed 23587880.